The following is an entry in ClinVar:

ClinVar aggregate classification (germline): Uncertain significance. Review status: criteria provided, multiple submitters, no conflicts (2 of 4 stars). 2 submissions from 2 submitters: Uncertain significance (2). Last evaluated 2026-02-02.

Conditions:
Mosaic variegated aneuploidy syndrome 2 (MVA2). Identifiers: Orphanet 1052, MedGen C3279843, MONDO:0013582, OMIM 614114.
Inborn genetic diseases. Identifiers: MedGen C0950123, MeSH D030342.

Allele frequency attached by ClinVar (database versions not stated): TOPMed 0.00001.
gnomAD v4.1: 1 of 1,613,974 alleles (0.000062%); no homozygotes.

Submissions (2):

Labcorp Genetics (formerly Invitae), Labcorp
Classification: Uncertain significance for Mosaic variegated aneuploidy syndrome 2. Last evaluated: 2026-02-02. Review status: criteria provided, single submitter. Criteria: Invitae Variant Classification Sherloc (09022015). Collection method: clinical testing. Allele origin: germline.
Comment: This sequence change replaces histidine, which is basic and polar, with arginine, which is basic and polar, at codon 181 of the CEP57 protein (p.His181Arg). This variant is not present in population databases (gnomAD no frequency). This variant has not been reported in the literature in individuals affected with CEP57-related conditions. ClinVar contains an entry for this variant (Variation ID: 944539). Invitae Evidence Modeling of protein sequence and biophysical properties (such as structural, functional, and spatial information, amino acid conservation, physicochemical variation, residue mobility, and thermodynamic stability) indicates that this missense variant is not expected to disrupt CEP57 protein function with a negative predictive value of 80%. In summary, the available evidence is currently insufficient to determine the role of this variant in disease. Therefore, it has been classified as a Variant of Uncertain Significance.

Ambry Genetics
Classification: Uncertain significance for Inborn genetic diseases. Last evaluated: 2024-11-25. Review status: criteria provided, single submitter. Criteria: Ambry Variant Classification Scheme 2023. Collection method: clinical testing. Allele origin: germline.
Comment: The p.H181R variant (also known as c.542A>G), located in coding exon 5 of the CEP57 gene, results from an A to G substitution at nucleotide position 542. The histidine at codon 181 is replaced by arginine, an amino acid with highly similar properties. This amino acid position is conserved. In addition, the in silico prediction for this alteration is inconclusive. Based on the available evidence, the clinical significance of this variant remains unclear.

NM_014679.5(CEP57):c.542A>G (p.His181Arg)

Gene: CEP57 (centrosomal protein 57; plus strand). Cytogenetic location: 11q21.
Variant type: single nucleotide variant.
Coding change: c.542A>G on transcript NM_014679.5 (MANE Select); coding-DNA position 542, A replaced by G.
Protein change: p.His181Arg; replaces histidine 181 with arginine.
Molecular consequence: missense variant.
Genome position (GRCh38, 1-based): chr11:95,817,824, A>G. VCF-style: chr11-95817824-A-G. GRCh37 (hg19) VCF-style: chr11-95550988-A-G.
Other names: c.515A>G, p.His172Arg (NM_001243776.2); c.542A>G, p.His181Arg (NM_001243777.2); c.461A>G, p.His154Arg (NM_001363604.2); short protein forms H181R, H154R, H172R.
Identifiers: ClinVar variation 944539 (VCV000944539.8), dbSNP rs1862363329, ClinGen allele CA382422789.
Genomic context (GRCh38, chr11:95,817,824, plus strand): 5'-CCGTATTGAATATTGTTTTTCAGGTTTCCCTAGAAAGAGAACGACAACATGATCAAACAC[A>G]TGTTCAGAGCCAACTTGAAAAATTGGATCTTCTTGAACAGGAGTATAACAAACTTACCAC-3'
Protein context (NP_055494.2, residues 171-191): LERERQHDQT[His181Arg]VQSQLEKLDL